The following is an entry in ClinVar:

NM_000257.4(MYH7):c.2432T>C (p.Leu811Pro)

Genes: MYH7 (myosin heavy chain 7; minus strand), LOC126861898 (BRD4-independent group 4 enhancer GRCh37_chr14:23893609-23894808; plus strand). Cytogenetic location: 14q11.2.
Variant type: single nucleotide variant.
Coding change: c.2432T>C on transcript NM_000257.4 (MANE Select); coding-DNA position 2432, T replaced by C.
Protein change: p.Leu811Pro; replaces leucine 811 with proline.
Molecular consequence: missense variant.
Genome position (GRCh38, 1-based): chr14:23,425,016, A>G on the plus strand (T>C on the coding strand, the complement: MYH7 is on the minus strand). VCF-style: chr14-23425016-A-G. GRCh37 (hg19) VCF-style: chr14-23894225-A-G.
Other names: short protein forms L811P.
Identifiers: ClinVar variation 164332 (VCV000164332.4), dbSNP rs727503256, ClinGen allele CA012339.
Genomic context (GRCh38, chr14:23,425,016, plus strand): 5'-TTCATCCAGGGCCAATTCTTGACCCCCATGAAGGCCCGAATGTTCCACTGGATTACCAGC[A>G]GGGAGTCTCTGCAGGGGCCCATTGAAAGGAGTGCTGAGCCTCCTGCCTCCTTCCTACCTG-3'
Protein context (NP_000248.2, residues 801-821): YKKLLERRDS[Leu811Pro]LVIQWNIRAF

ClinVar aggregate classification (germline): Uncertain significance (1 of 4 stars; one submission).

Allele frequency attached by ClinVar (database versions not stated): gnomAD exomes below 0.00001.
gnomAD v4.1: 1 of 1,614,192 alleles (0.000062%); highest among the groups gnomAD compares: Non-Finnish European, 0.000085%; no homozygotes.

Submission:

Laboratory for Molecular Medicine, Mass General Brigham Personalized Medicine
Classification: Uncertain significance. Last evaluated: 2014-03-07. Review status: criteria provided, single submitter. Criteria: LMM Criteria. Collection method: clinical testing. Allele origin: germline. Observed: 1 variant allele.
Comment: proposed classification - variant undergoing re-assessment, contact laboratory